The following is an entry in ClinVar:

ClinVar aggregate classification (germline): Benign/Likely benign. Review status: criteria provided, multiple submitters, no conflicts (2 of 4 stars). 3 submissions from 3 submitters: Benign (1); Likely benign (2). Last evaluated 2026-06-09.

Conditions:
Tumor predisposition syndrome 2 (TPDS2). Also called: MBD4-ASSOCIATED NEOPLASIA SYNDROME; MBD4-Related Tumor Predisposition Syndrome; MBD4-associated neoplasia syndrome (MANS). Identifiers: Orphanet 661526, MedGen C5774186, MONDO:0859267, OMIM 619975.
Inborn genetic diseases. Identifiers: MedGen C0950123, MeSH D030342.

Allele frequency attached by ClinVar (database versions not stated): ExAC 0.00001; gnomAD 0.00001.
gnomAD v4.1: 42 of 1,614,064 alleles (0.0026%); highest among the groups gnomAD compares: Middle Eastern, 0.016%; no homozygotes.

Submissions (3):

Myriad Genetics, Inc.
Classification: Benign for Tumor predisposition syndrome 2. Last evaluated: 2026-06-09. Review status: criteria provided, single submitter. Criteria: Myriad Autosomal Dominant, Autosomal Recessive and X-Linked Classification Criteria (2023). Collection method: clinical testing. Allele origin: unknown.
Comment: This variant is considered benign. This variant is a silent/synonymous amino acid change and it is not expected to impact splicing.

Labcorp Genetics (formerly Invitae), Labcorp
Classification: Likely benign. Last evaluated: 2025-12-20. Review status: criteria provided, single submitter. Criteria: Invitae Variant Classification Sherloc (09022015). Collection method: clinical testing. Allele origin: germline.

Ambry Genetics
Classification: Likely benign for Inborn genetic diseases. Last evaluated: 2025-03-11. Review status: criteria provided, single submitter. Criteria: Ambry Variant Classification Scheme 2023. Collection method: clinical testing. Allele origin: germline.

NM_001276270.2(MBD4):c.282G>A (p.Val94=)

Gene: MBD4 (methyl-CpG binding domain 4, DNA glycosylase; minus strand). Cytogenetic location: 3q21.3.
Variant type: single nucleotide variant.
Coding change: c.282G>A on transcript NM_001276270.2 (MANE Select); coding-DNA position 282, G replaced by A.
Protein change: p.Val94=; no amino-acid change (valine 94 retained).
Molecular consequence: synonymous variant. On other transcripts: intron variant (1).
Genome position (GRCh38, 1-based): chr3:129,437,773, C>T on the plus strand (G>A on the coding strand, the complement: MBD4 is on the minus strand). VCF-style: chr3-129437773-C-T. GRCh37 (hg19) VCF-style: chr3-129156616-C-T.
Other names: c.282G>A, p.Val94= (NM_001276271.2, NM_001276272.2, NM_003925.3); c.247+35G>A (NM_001276273.2).
Identifiers: ClinVar variation 2870055 (VCV002870055.6), dbSNP rs766496861, ClinGen allele CA2605564.